The following is an entry in ClinVar:

NM_000313.4(PROS1):c.1840A>G (p.Lys614Glu)

Gene: PROS1 (protein S; minus strand). Cytogenetic location: 3q11.1.
Variant type: single nucleotide variant.
Coding change: c.1840A>G on transcript NM_000313.4 (MANE Select); coding-DNA position 1840, A replaced by G.
Protein change: p.Lys614Glu; replaces lysine 614 with glutamic acid.
Molecular consequence: missense variant.
Genome position (GRCh38, 1-based): chr3:93,876,996, T>C on the plus strand (A>G on the coding strand, the complement: PROS1 is on the minus strand). VCF-style: chr3-93876996-T-C. GRCh37 (hg19) VCF-style: chr3-93595840-T-C.
Other names: c.1936A>G, p.Lys646Glu (NM_001314077.2); short protein forms K646E, K614E.
Identifiers: ClinVar variation 2890189 (VCV002890189.3), dbSNP rs761946767, ClinGen allele CA2503089.
Genomic context (GRCh38, chr3:93,876,996, plus strand): 5'-TTTAAAACTGAAGAAAAAGTAAGCAGATACCTGGAAGGCCACCCAGGTATGTGGCCACTT[T>C]TGCTTTCATTGCTTTGTCCAAGACGGCAAGTTGTCTTTGAAGGTCTTCATGGGAGATGGT-3'
Protein context (NP_000304.2, residues 604-624): LAVLDKAMKA[Lys614Glu]VATYLGGLPD

ClinVar aggregate classification (germline): Uncertain significance (1 of 4 stars; one submission).

Conditions:
Thrombophilia due to protein S deficiency, autosomal recessive (THPH6). Identifiers: Orphanet 743, MedGen C3281092, MONDO:0013791, OMIM 614514. Disease mechanism: loss of function.

Allele frequency attached by ClinVar (database versions not stated): ExAC 0.00004.
gnomAD v4.1: 13 of 1,612,626 alleles (0.00081%); highest among the groups gnomAD compares: Admixed American, 0.022%; no homozygotes.

Submission:

Labcorp Genetics (formerly Invitae), Labcorp
Classification: Uncertain significance for Thrombophilia due to protein S deficiency, autosomal recessive. Last evaluated: 2024-01-15. Review status: criteria provided, single submitter. Criteria: Invitae Variant Classification Sherloc (09022015). Collection method: clinical testing. Allele origin: germline.
Comment: This sequence change replaces lysine, which is basic and polar, with glutamic acid, which is acidic and polar, at codon 614 of the PROS1 protein (p.Lys614Glu). This variant is present in population databases (rs761946767, gnomAD 0.03%). This variant has not been reported in the literature in individuals affected with PROS1-related conditions. Advanced modeling of protein sequence and biophysical properties (such as structural, functional, and spatial information, amino acid conservation, physicochemical variation, residue mobility, and thermodynamic stability) performed at Invitae indicates that this missense variant is not expected to disrupt PROS1 protein function with a negative predictive value of 80%. In summary, the available evidence is currently insufficient to determine the role of this variant in disease. Therefore, it has been classified as a Variant of Uncertain Significance.